The following is an entry in ClinVar:

ClinVar aggregate classification (germline): Uncertain significance (1 of 4 stars; one submission).

Conditions:
Landau-Kleffner syndrome (FESD). Also called: EPILEPSY, FOCAL, WITH SPEECH DISORDER AND WITH OR WITHOUT MENTAL RETARDATION; APHASIA, ACQUIRED, WITH EPILEPSY. Identifiers: Orphanet 1945, Orphanet 725, Orphanet 98818, MedGen C0282512, MONDO:0009509, OMIM 245570.

gnomAD v4.1: 3 of 1,608,670 alleles (0.00019%); highest among the groups gnomAD compares: Non-Finnish European, 0.00025%; no homozygotes.

Submission:

Labcorp Genetics (formerly Invitae), Labcorp
Classification: Uncertain significance for Landau-Kleffner syndrome. Last evaluated: 2022-09-27. Review status: criteria provided, single submitter. Criteria: Invitae Variant Classification Sherloc (09022015). Collection method: clinical testing. Allele origin: germline.
Comment: In summary, the available evidence is currently insufficient to determine the role of this variant in disease. Therefore, it has been classified as a Variant of Uncertain Significance. Advanced modeling of protein sequence and biophysical properties (such as structural, functional, and spatial information, amino acid conservation, physicochemical variation, residue mobility, and thermodynamic stability) performed at Invitae indicates that this missense variant is not expected to disrupt GRIN2A protein function. ClinVar contains an entry for this variant (Variation ID: 1479761). This variant has not been reported in the literature in individuals affected with GRIN2A-related conditions. This variant is not present in population databases (gnomAD no frequency). This sequence change replaces serine, which is neutral and polar, with arginine, which is basic and polar, at codon 24 of the GRIN2A protein (p.Ser24Arg).

NM_001134407.3(GRIN2A):c.72C>A (p.Ser24Arg)

Gene: GRIN2A (glutamate ionotropic receptor NMDA type subunit 2A; minus strand). Cytogenetic location: 16p13.2.
Variant type: single nucleotide variant.
Coding change: c.72C>A on transcript NM_001134407.3 (MANE Select); coding-DNA position 72, C replaced by A.
Protein change: p.Ser24Arg; replaces serine 24 with arginine.
Molecular consequence: missense variant.
Genome position (GRCh38, 1-based): chr16:10,180,340, G>T on the plus strand (C>A on the coding strand, the complement: GRIN2A is on the minus strand). VCF-style: chr16-10180340-G-T. GRCh37 (hg19) VCF-style: chr16-10274197-G-T.
Other names: c.72C>A, p.Ser24Arg (NM_000833.5, NM_001134408.2); short protein forms S24R.
Identifiers: ClinVar variation 1479761 (VCV001479761.8), dbSNP rs781722466, ClinGen allele CA394715784.
Genomic context (GRCh38, chr16:10,180,340, plus strand): 5'-GTGGCTGTGACCCAGCATCACCGCAATATTTAGCGCGGGGGGACCCTTCTCCGCCGCCGC[G>T]CTCGGCGCCGGACCGCGCCAGACCAGAAGGGCCGGCAGCACCAGCAGGGTCCAATAGCCC-3'
Protein context (NP_001127879.1, residues 14-34): ALLVWRGPAP[Ser24Arg]AAAEKGPPAL